The following is an entry in ClinVar:

ClinVar aggregate classification (germline): Uncertain significance (1 of 4 stars; one submission).

Conditions:
Familial adenomatous polyposis 1 (FAP1). Also called: POLYPOSIS, ADENOMATOUS INTESTINAL; FAMILIAL ADENOMATOUS POLYPOSIS 1, ATTENUATED. Identifiers: MedGen C2713442, MONDO:0021056, OMIM 175100. Disease mechanism: loss of function.

Submission:

Labcorp Genetics (formerly Invitae), Labcorp
Classification: Uncertain significance for Familial adenomatous polyposis 1. Last evaluated: 2022-05-03. Review status: criteria provided, single submitter. Criteria: Invitae Variant Classification Sherloc (09022015). Collection method: clinical testing. Allele origin: germline.
Comment: In summary, the available evidence is currently insufficient to determine the role of this variant in disease. Therefore, it has been classified as a Variant of Uncertain Significance. Algorithms developed to predict the effect of missense changes on protein structure and function (SIFT, PolyPhen-2, Align-GVGD) all suggest that this variant is likely to be disruptive. This variant has not been reported in the literature in individuals affected with APC-related conditions. This variant is not present in population databases (gnomAD no frequency). This sequence change replaces glutamic acid, which is acidic and polar, with valine, which is neutral and non-polar, at codon 100 of the APC protein (p.Glu100Val).

NM_000038.6(APC):c.299A>T (p.Glu100Val)

Gene: APC (APC regulator of Wnt signaling pathway; plus strand). Cytogenetic location: 5q22.2.
Variant type: single nucleotide variant.
Coding change: c.299A>T on transcript NM_000038.6 (MANE Select); coding-DNA position 299, A replaced by T.
Protein change: p.Glu100Val; replaces glutamic acid 100 with valine.
Molecular consequence: missense variant. On other transcripts: 5 prime UTR variant (1).
Genome position (GRCh38, 1-based): chr5:112,767,267, A>T. VCF-style: chr5-112767267-A-T. GRCh37 (hg19) VCF-style: chr5-112102964-A-T.
Other names: c.299A>T, p.Glu100Val (NM_001127510.3, NM_001354895.2, NM_001354896.2 and 16 more transcripts); c.329A>T, p.Glu110Val (NM_001127511.3, NM_001354897.2, NM_001354902.2 and 1 more transcripts); c.224A>T, p.Glu75Val (NM_001354898.2, NM_001354904.2, NM_001407451.1); c.122A>T, p.Glu41Val (NM_001354900.2, NM_001354901.2, NM_001354905.2 and 1 more transcripts); c.-737A>T (NM_001354906.2, NM_001407470.1, NM_001407471.1 and 1 more transcripts); short protein forms E100V, E110V, E75V, E41V.
Identifiers: ClinVar variation 2132960 (VCV002132960.4), dbSNP rs1580328530, ClinGen allele CA16021983.